The following is an entry in ClinVar:

NM_001001331.4(ATP2B2):c.1706C>T (p.Thr569Met)

Gene: ATP2B2 (ATPase plasma membrane Ca2+ transporting 2; minus strand). Cytogenetic location: 3p25.3.
Variant type: single nucleotide variant.
Coding change: c.1706C>T on transcript NM_001001331.4 (MANE Select); coding-DNA position 1706, C replaced by T.
Protein change: p.Thr569Met; replaces threonine 569 with methionine.
Molecular consequence: missense variant.
Genome position (GRCh38, 1-based): chr3:10,360,077, G>A on the plus strand (C>T on the coding strand, the complement: ATP2B2 is on the minus strand). VCF-style: chr3-10360077-G-A. GRCh37 (hg19) VCF-style: chr3-10401761-G-A.
Other names: c.1571C>T, p.Thr524Met (NM_001353564.1, NM_001363862.1, NM_001683.5 and 1 more transcripts); short protein forms T524M, T569M.
Identifiers: ClinVar variation 2446111 (VCV002446111.3), dbSNP rs1314290874, ClinGen allele CA351781575.

ClinVar aggregate classification (germline): Uncertain significance. Review status: criteria provided, multiple submitters, no conflicts (2 of 4 stars). 3 submissions from 3 submitters: Uncertain significance (3). Last evaluated 2026-05-28.

Allele frequency attached by ClinVar (database versions not stated): gnomAD 0.00001; gnomAD exomes below 0.00001.

Submissions (3):

Women's Health and Genetics/Laboratory Corporation of America, LabCorp
Classification: Uncertain significance. Last evaluated: 2026-05-28. Review status: criteria provided, single submitter. Criteria: LabCorp Variant Classification Summary - May 2015. Collection method: clinical testing. Allele origin: germline.
Comment: Variant summary: ATP2B2 c.1706C>T (p.Thr569Met) results in a non-conservative amino acid change in the encoded protein sequence. Algorithms developed to predict the effect of missense changes on protein structure and function all suggest that this variant is likely to be disruptive. The variant was absent in 249532 control chromosomes. The available data on variant occurrences in the general population are insufficient to allow any conclusion about variant significance. To our knowledge, no occurrence of c.1706C>T in individuals affected with ATP2B2-related conditions and no experimental evidence demonstrating its impact on protein function have been reported. ClinVar contains an entry for this variant (Variation ID: 2446111). Based on the evidence outlined above, the variant was classified as uncertain significance.

Labcorp Genetics (formerly Invitae), Labcorp
Classification: Uncertain significance. Last evaluated: 2025-07-02. Review status: criteria provided, single submitter. Criteria: Invitae Variant Classification Sherloc (09022015). Collection method: clinical testing. Allele origin: germline.
Comment: This sequence change replaces threonine, which is neutral and polar, with methionine, which is neutral and non-polar, at codon 524 of the ATP2B2 protein (p.Thr524Met). This variant is present in population databases (no rsID available, gnomAD 0.007%). This variant has not been reported in the literature in individuals affected with ATP2B2-related conditions. ClinVar contains an entry for this variant (Variation ID: 2446111). Invitae Evidence Modeling of protein sequence and biophysical properties (such as structural, functional, and spatial information, amino acid conservation, physicochemical variation, residue mobility, and thermodynamic stability) indicates that this missense variant is expected to disrupt ATP2B2 protein function with a positive predictive value of 80%. In summary, the available evidence is currently insufficient to determine the role of this variant in disease. Therefore, it has been classified as a Variant of Uncertain Significance.

GeneDx
Classification: Uncertain significance. Last evaluated: 2022-09-23. Review status: criteria provided, single submitter. Criteria: GeneDx Variant Classification Process June 2021. Collection method: clinical testing. Allele origin: germline. Affected: yes.
Comment: Not observed at significant frequency in large population cohorts (gnomAD); In silico analysis supports that this missense variant has a deleterious effect on protein structure/function; Has not been previously published as pathogenic or benign to our knowledge